The following is an entry in ClinVar:

ClinVar aggregate classification (germline): Uncertain significance (1 of 4 stars; one submission).

Submission:

Ambry Genetics
Classification: Uncertain significance. Last evaluated: 2026-02-24. Review status: criteria provided, single submitter. Criteria: Ambry Variant Classification Scheme 2023. Collection method: clinical testing. Allele origin: germline.
Comment: The p.A21S variant (also known as c.61G>T), located in coding exon 1 of the WNK2 gene, results from a G to T substitution at nucleotide position 61. The alanine at codon 21 is replaced by serine, an amino acid with similar properties. This amino acid position is conserved. In addition, this alteration is predicted to be tolerated by in silico analysis. Based on the available evidence, the clinical significance of this variant remains unclear.

NM_006648.4(WNK2):c.61G>T (p.Ala21Ser)

Gene: WNK2 (WNK lysine deficient protein kinase 2; plus strand). Cytogenetic location: 9q22.31.
Variant type: single nucleotide variant.
Coding change: c.61G>T on transcript NM_006648.4 (MANE Select); coding-DNA position 61, G replaced by T.
Protein change: p.Ala21Ser; replaces alanine 21 with serine.
Molecular consequence: missense variant.
Genome position (GRCh38, 1-based): chr9:93,184,990, G>T. VCF-style: chr9-93184990-G-T. GRCh37 (hg19) VCF-style: chr9-95947272-G-T.
Other names: c.61G>T, p.Ala21Ser (NM_001282394.3); short protein forms A21S.
Identifiers: ClinVar variation 4826213 (VCV004826213.1).